The following is an entry in ClinVar:

ClinVar aggregate classification (germline): Uncertain significance (1 of 4 stars; one submission).

Submission:

Labcorp Genetics (formerly Invitae), Labcorp
Classification: Uncertain significance. Last evaluated: 2024-03-17. Review status: criteria provided, single submitter. Criteria: Invitae Variant Classification Sherloc (09022015). Collection method: clinical testing. Allele origin: germline.
Comment: This sequence change replaces glutamic acid, which is acidic and polar, with glutamine, which is neutral and polar, at codon 1041 of the ABCA4 protein (p.Glu1041Gln). This variant is not present in population databases (gnomAD no frequency). This variant has not been reported in the literature in individuals affected with ABCA4-related conditions. Advanced modeling of protein sequence and biophysical properties (such as structural, functional, and spatial information, amino acid conservation, physicochemical variation, residue mobility, and thermodynamic stability) performed at Invitae indicates that this missense variant is not expected to disrupt ABCA4 protein function with a negative predictive value of 80%. In summary, the available evidence is currently insufficient to determine the role of this variant in disease. Therefore, it has been classified as a Variant of Uncertain Significance.

NM_000350.3(ABCA4):c.3121G>C (p.Glu1041Gln)

Gene: ABCA4 (ATP binding cassette subfamily A member 4; minus strand). Cytogenetic location: 1p22.1.
Variant type: single nucleotide variant.
Coding change: c.3121G>C on transcript NM_000350.3 (MANE Select); coding-DNA position 3121, G replaced by C.
Protein change: p.Glu1041Gln; replaces glutamic acid 1041 with glutamine.
Molecular consequence: missense variant.
Genome position (GRCh38, 1-based): chr1:94,043,405, C>G on the plus strand (G>C on the coding strand, the complement: ABCA4 is on the minus strand). VCF-style: chr1-94043405-C-G. GRCh37 (hg19) VCF-style: chr1-94508961-C-G.
Other names: c.2899G>C, p.Glu967Gln (NM_001425324.1); short protein forms E967Q, E1041Q.
Identifiers: ClinVar variation 3638699 (VCV003638699.2).